The following is an entry in ClinVar:

ClinVar aggregate classification (germline): Uncertain significance (1 of 4 stars; one submission).

Conditions:
Long QT syndrome (LQTS). Identifiers: MedGen C0023976, MeSH D008133, MONDO:0002442. Disease mechanism: loss of function. Inheritance: Various modes of inheritance.

Submission:

Labcorp Genetics (formerly Invitae), Labcorp
Classification: Uncertain significance for Long QT syndrome. Last evaluated: 2025-02-26. Review status: criteria provided, single submitter. Criteria: Invitae Variant Classification Sherloc (09022015). Collection method: clinical testing. Allele origin: germline.
Comment: This variant, c.5978_5992del, is a complex sequence change that results in the deletion of 6 and insertion of 1 amino acid(s) in the CACNA1C protein (p.Gly1993_Thr1998delinsAla). This variant is not present in population databases (gnomAD no frequency). This variant has not been reported in the literature in individuals affected with CACNA1C-related conditions. ClinVar contains an entry for this variant (Variation ID: 1525709). Experimental studies and prediction algorithms are not available or were not evaluated, and the functional significance of this variant is currently unknown. In summary, the available evidence is currently insufficient to determine the role of this variant in disease. Therefore, it has been classified as a Variant of Uncertain Significance.

NM_000719.7(CACNA1C):c.5978_5992del (p.Gly1993_Thr1998delinsAla)

Genes: CACNA1C (calcium voltage-gated channel subunit alpha1 C; plus strand), CACNA1C-AS1 (CACNA1C antisense RNA 1; minus strand). Cytogenetic location: 12p13.33.
Variant type: Deletion.
Coding change: c.5978_5992del on transcript NM_000719.7 (MANE Select); coding-DNA positions 5978 to 5992, 15 bases deleted (GCTCCTGGGCTGAGA).
Protein change: p.Gly1993_Thr1998delinsAla.
Molecular consequence: inframe indel.
Genome position (GRCh38, 1-based): chr12:2,688,640-2,688,654, GCTCCTGGGCTGAGA deleted. VCF-style (leftmost placement, unchanged base first): chr12-2688639-GGCTCCTGGGCTGAGA-G. GRCh37 (hg19) VCF-style: chr12-2797805-GGCTCCTGGGCTGAGA-G.
Other names: c.6122_6136del, p.Gly2041_Thr2046delinsAla (NM_001129827.2); c.6101_6115del, p.Gly2034_Thr2039delinsAla (NM_001129829.2); c.6083_6097del, p.Gly2028_Thr2033delinsAla (NM_001129830.3, NM_001167624.3); c.6062_6076del, p.Gly2021_Thr2026delinsAla (NM_001129831.2); c.6038_6052del, p.Gly2013_Thr2018delinsAla (NM_001129832.2); c.6035_6049del, p.Gly2012_Thr2017delinsAla (NM_001129833.2, NM_001129834.2, NM_001129835.2); c.6029_6043del, p.Gly2010_Thr2015delinsAla (NM_001129836.2); c.6002_6016del, p.Gly2001_Thr2006delinsAla (NM_001129837.2, NM_001129838.2); and 6 more.
Identifiers: ClinVar variation 1525709 (VCV001525709.8), dbSNP rs2153866305, ClinGen allele CA2573148399.